The following is an entry in ClinVar:

NM_012232.6(CAVIN1):c.55G>A (p.Ala19Thr)

Gene: CAVIN1 (caveolae associated protein 1; minus strand). Cytogenetic location: 17q21.2.
Variant type: single nucleotide variant.
Coding change: c.55G>A on transcript NM_012232.6 (MANE Select); coding-DNA position 55, G replaced by A.
Protein change: p.Ala19Thr; replaces alanine 19 with threonine.
Molecular consequence: missense variant.
Genome position (GRCh38, 1-based): chr17:42,423,043, C>T on the plus strand (G>A on the coding strand, the complement: CAVIN1 is on the minus strand). VCF-style: chr17-42423043-C-T. GRCh37 (hg19) VCF-style: chr17-40575061-C-T.
Other names: p.Ala19Thr; c.55G>A (NM_012232.5); short protein forms A19T.
Identifiers: ClinVar variation 917437 (VCV000917437.4), dbSNP rs185645510, ClinGen allele CA8575953.
Genomic context (GRCh38, chr17:42,423,043, plus strand): 5'-CGGCCCCCGACGGCTCCTCCGCTGCCTGAGCCCCAGCGGAGGAAGGCTCCGGGGCCTCGG[C>T]GTCGGGGTACCCGGGAAGCGGCCGCTCGACAATATAGAGCGTGGGGTCCTCCATGGCTAC-3'
Protein context (NP_036364.2, residues 9-29): VERPLPGYPD[Ala19Thr]EAPEPSSAGA

ClinVar aggregate classification (germline): Conflicting classifications of pathogenicity. Review status: criteria provided, conflicting classifications (1 of 4 stars). 3 submissions from 3 submitters: Uncertain significance (2); Likely benign (1). Last evaluated 2025-02-20.

Conditions:
Monogenic diabetes. Identifiers: Orphanet 183625, MedGen C3888631, MONDO:0015967.

Allele frequency attached by ClinVar (database versions not stated): ExAC 0.00017; 1000 Genomes Project 30x 0.00047; 1000 Genomes Project 0.00060; TOPMed 0.00055.

Submissions (3):

Ambry Genetics
Classification: Uncertain significance. Last evaluated: 2025-02-20. Review status: criteria provided, single submitter. Criteria: Ambry Variant Classification Scheme 2023. Collection method: clinical testing. Allele origin: germline.

Mayo Clinic Laboratories, Mayo Clinic
Classification: Likely benign. Last evaluated: 2024-12-20. Review status: criteria provided, single submitter. Criteria: ACMG Guidelines, 2015. Collection method: clinical testing. Allele origin: germline. Observed: 1 variant allele.
Comment: BS1, BP4_moderate

Personalized Diabetes Medicine Program, University of Maryland School of Medicine
Classification: Uncertain significance for Monogenic diabetes. Last evaluated: 2018-09-07. Review status: criteria provided, single submitter. Criteria: ACMG Guidelines, 2015. Collection method: research. Allele origin: unknown. Observed: 1 variant allele, 1 heterozygote.
Comment: ACMG criteria: BP4 (REVEL 0.139 + 9 predictors; not using PP3/2 predictors)=VUS